The following is an entry in ClinVar:

NM_002497.4(NEK2):c.286A>G (p.Ser96Gly)

Gene: NEK2 (NIMA related kinase 2; minus strand). Cytogenetic location: 1q32.3.
Variant type: single nucleotide variant.
Coding change: c.286A>G on transcript NM_002497.4 (MANE Select); coding-DNA position 286, A replaced by G.
Protein change: p.Ser96Gly; replaces serine 96 with glycine.
Molecular consequence: missense variant.
Genome position (GRCh38, 1-based): chr1:211,674,324, T>C on the plus strand (A>G on the coding strand, the complement: NEK2 is on the minus strand). VCF-style: chr1-211674324-T-C. GRCh37 (hg19) VCF-style: chr1-211847666-T-C.
Other names: c.286A>G, p.Ser96Gly (NM_001204182.2, NM_001204183.2); short protein forms S96G.
Identifiers: ClinVar variation 1953315 (VCV001953315.6), dbSNP rs1655503610, ClinGen allele CA344784765.

ClinVar aggregate classification (germline): Uncertain significance. Review status: criteria provided, multiple submitters, no conflicts (2 of 4 stars). 2 submissions from 2 submitters: Uncertain significance (2). Last evaluated 2022-05-19.

Allele frequency attached by ClinVar (database versions not stated): TOPMed below 0.00001; gnomAD 0.00001.
gnomAD v4.1: 6 of 1,613,142 alleles (0.00037%); highest among the groups gnomAD compares: Admixed American, 0.0017%; no homozygotes.

Submissions (2):

Labcorp Genetics (formerly Invitae), Labcorp
Classification: Uncertain significance. Last evaluated: 2022-05-19. Review status: criteria provided, single submitter. Criteria: Invitae Variant Classification Sherloc (09022015). Collection method: clinical testing. Allele origin: germline.
Comment: This sequence change replaces serine, which is neutral and polar, with glycine, which is neutral and non-polar, at codon 96 of the NEK2 protein (p.Ser96Gly). This variant is not present in population databases (gnomAD no frequency). This variant has not been reported in the literature in individuals affected with NEK2-related conditions. Algorithms developed to predict the effect of missense changes on protein structure and function output the following: SIFT: "Deleterious"; PolyPhen-2: "Benign"; Align-GVGD: "Class C0". The glycine amino acid residue is found in multiple mammalian species, which suggests that this missense change does not adversely affect protein function. In summary, the available evidence is currently insufficient to determine the role of this variant in disease. Therefore, it has been classified as a Variant of Uncertain Significance.

Blueprint Genetics
Classification: Uncertain significance. Last evaluated: 2020-10-21. Review status: criteria provided, single submitter. Criteria: ACMG Guidelines, 2015. Collection method: clinical testing. Allele origin: germline.